The following is an entry in ClinVar:

ClinVar aggregate classification (germline): Benign (1 of 4 stars; one submission).

Conditions:
Cerebral arteriopathy, autosomal dominant, with subcortical infarcts and leukoencephalopathy, type 1 (CADASIL1). Also called: DEMENTIA, HEREDITARY MULTIINFARCT TYPE; CADASIL 1; CASIL; Cerebral arteriopathy with subcortical infarcts and leukoencephalopathy 1. Identifiers: Orphanet 136, MedGen C4551768, MONDO:0000914, OMIM 125310.

Allele frequency attached by ClinVar (database versions not stated): gnomAD 0.00237 and 0.00248; 1000 Genomes Project 30x 0.00297; gnomAD exomes 0.00021; TOPMed 0.00279; 1000 Genomes Project 0.00359.
gnomAD v4.1: 589 of 1,113,372 alleles (0.053%); highest among the groups gnomAD compares: African/African-American, 0.78%; 6 homozygotes.

Submissions (2):

Illumina Laboratory Services, Illumina
Classification: Benign for Cerebral arteriopathy, autosomal dominant, with subcortical infarcts and leukoencephalopathy, type 1. Last evaluated: 2018-01-12. Review status: criteria provided, single submitter. Criteria: ICSL Variant Classification Criteria 13 December 2019. Collection method: clinical testing. Allele origin: germline.
Comment: This variant was observed in the ICSL laboratory as part of a predisposition screen in an ostensibly healthy population. It had not been previously curated by ICSL or reported in the Human Gene Mutation Database (HGMD: prior to June 1st, 2018), and was therefore a candidate for classification through an automated scoring system. Utilizing variant allele frequency, disease prevalence and penetrance estimates, and inheritance mode, an automated score was calculated to assess if this variant is too frequent to cause the disease. Based on the score and internal cut-off values, a variant classified as benign is not then subjected to further curation. The score for this variant resulted in a classification of benign for this disease.

Dr. Peter K. Rogan Lab, Western University
No classification provided (evidence only). Condition: Uterine carcinosarcoma. Review status: no classification provided. Collection method: in vitro. Allele origin: not applicable. Functional consequence: retained intron. Not counted in ClinVar's aggregate classification.

NM_000435.3(NOTCH3):c.*85G>T

Gene: NOTCH3 (notch receptor 3; minus strand). Cytogenetic location: 19p13.12.
Variant type: single nucleotide variant.
Coding change: c.*85G>T on transcript NM_000435.3 (MANE Select); 85 bases downstream of the stop codon, G replaced by T.
Molecular consequence: 3 prime UTR variant.
Genome position (GRCh38, 1-based): chr19:15,160,577, C>A on the plus strand (G>T on the coding strand, the complement: NOTCH3 is on the minus strand). VCF-style: chr19-15160577-C-A. GRCh37 (hg19) VCF-style: chr19-15271388-C-A.
Other names: NC_000019.9:g.15271388C>A.
Identifiers: ClinVar variation 891936 (VCV000891936.5), dbSNP rs185310376, ClinGen allele CA305755205.
Genomic context (GRCh38, chr19:15,160,577, plus strand): 5'-GGTCACGCTGCAAGGCAAGGATGCAGGAGGGTTGGTGGAAAGAGAAGAGGATGAAAAAGA[C>A]TAAAAGGAAGGAAGAGACAGAGAAAGAAAGGAGGCAGGACGGGGGTCTCTTTAGGCCCCC-3'